The following is an entry in ClinVar:

ClinVar aggregate classification (germline): Uncertain significance (1 of 4 stars; one submission).

Conditions:
Hereditary cancer-predisposing syndrome. Also called: Hereditary Cancer Syndrome; Hereditary neoplastic syndrome; Neoplastic Syndromes, Hereditary; Tumor predisposition. Identifiers: Orphanet 140162, MedGen C0027672, MeSH D009386, MONDO:0015356.

Submission:

Ambry Genetics
Classification: Uncertain significance for Hereditary cancer-predisposing syndrome. Last evaluated: 2019-09-18. Review status: criteria provided, single submitter. Criteria: Ambry Variant Classification Scheme 2023. Collection method: clinical testing. Allele origin: germline.
Comment: The p.A454V variant (also known as c.1361C>T), located in coding exon 7 of the DICER1 gene, results from a C to T substitution at nucleotide position 1361. The alanine at codon 454 is replaced by valine, an amino acid with similar properties. This amino acid position is highly conserved in available vertebrate species. In addition, the in silico prediction for this alteration is inconclusive. Since supporting evidence is limited at this time, the clinical significance of this alteration remains unclear.

NM_177438.3(DICER1):c.1361C>T (p.Ala454Val)

Gene: DICER1 (dicer 1, ribonuclease III; minus strand). Cytogenetic location: 14q32.13.
Variant type: single nucleotide variant.
Coding change: c.1361C>T on transcript NM_177438.3 (MANE Select); coding-DNA position 1361, C replaced by T.
Protein change: p.Ala454Val; replaces alanine 454 with valine.
Molecular consequence: missense variant. On other transcripts: 5 prime UTR variant (1), non-coding transcript variant (6).
Genome position (GRCh38, 1-based): chr14:95,124,211, G>A on the plus strand (C>T on the coding strand, the complement: DICER1 is on the minus strand). VCF-style: chr14-95124211-G-A. GRCh37 (hg19) VCF-style: chr14-95590548-G-A.
Other names: c.1361C>T, p.Ala454Val (NM_001195573.1, NM_001271282.3, NM_001291628.2 and 15 more transcripts); c.1079C>T, p.Ala360Val (NM_001395686.1); c.956C>T, p.Ala319Val (NM_001395687.1, NM_001395688.1, NM_001395689.1 and 3 more transcripts); c.794C>T, p.Ala265Val (NM_001395691.1); c.-208C>T (NM_001395697.1); short protein forms A319V, A454V, A265V, A360V.
Identifiers: ClinVar variation 1770844 (VCV001770844.2), dbSNP rs2140200705, ClinGen allele CA390886137.